The following is an entry in ClinVar:

NM_000264.5(PTCH1):c.3968T>C (p.Phe1323Ser)

Gene: PTCH1 (patched 1; minus strand). Cytogenetic location: 9q22.32.
Variant type: single nucleotide variant.
Coding change: c.3968T>C on transcript NM_000264.5 (MANE Select); coding-DNA position 3968, T replaced by C.
Protein change: p.Phe1323Ser; replaces phenylalanine 1323 with serine.
Molecular consequence: missense variant. On other transcripts: non-coding transcript variant (1).
Genome position (GRCh38, 1-based): chr9:95,447,288, A>G on the plus strand (T>C on the coding strand, the complement: PTCH1 is on the minus strand). VCF-style: chr9-95447288-A-G. GRCh37 (hg19) VCF-style: chr9-98209570-A-G.
Other names: c.3770T>C, p.Phe1257Ser (NM_001083602.3); c.3965T>C, p.Phe1322Ser (NM_001083603.3); c.3515T>C, p.Phe1172Ser (NM_001083604.3, NM_001083605.3, NM_001083606.3 and 1 more transcripts); c.3812T>C, p.Phe1271Ser (NM_001354918.2); short protein forms F1322S, F1257S, F1271S, F1172S, F1323S.
Identifiers: ClinVar variation 1973621 (VCV001973621.5), dbSNP rs2136580455, ClinGen allele CA374110572.

ClinVar aggregate classification (germline): Uncertain significance (1 of 4 stars; one submission).

Conditions:
Gorlin syndrome. Also called: Nevoid Basal Cell Carcinoma Syndrome; Basal cell nevus syndrome. Identifiers: Orphanet 377, MedGen C0004779, MONDO:0007187.

Submission:

Labcorp Genetics (formerly Invitae), Labcorp
Classification: Uncertain significance for Gorlin syndrome. Last evaluated: 2021-12-23. Review status: criteria provided, single submitter. Criteria: Invitae Variant Classification Sherloc (09022015). Collection method: clinical testing. Allele origin: germline.
Comment: This variant has not been reported in the literature in individuals affected with PTCH1-related conditions. Algorithms developed to predict the effect of missense changes on protein structure and function are either unavailable or do not agree on the potential impact of this missense change (SIFT: "Deleterious"; PolyPhen-2: "Possibly Damaging"; Align-GVGD: "Class C0"). In summary, the available evidence is currently insufficient to determine the role of this variant in disease. Therefore, it has been classified as a Variant of Uncertain Significance. This variant is not present in population databases (gnomAD no frequency). This sequence change replaces phenylalanine, which is neutral and non-polar, with serine, which is neutral and polar, at codon 1323 of the PTCH1 protein (p.Phe1323Ser).